The following is an entry in ClinVar:

NM_015450.3(POT1):c.76T>A (p.Tyr26Asn)

Gene: POT1 (protection of telomeres 1; minus strand). Cytogenetic location: 7q31.33.
Variant type: single nucleotide variant.
Coding change: c.76T>A on transcript NM_015450.3 (MANE Select); coding-DNA position 76, T replaced by A.
Protein change: p.Tyr26Asn; replaces tyrosine 26 with asparagine.
Molecular consequence: missense variant. On other transcripts: 5 prime UTR variant (1), non-coding transcript variant (3).
Genome position (GRCh38, 1-based): chr7:124,892,314, A>T on the plus strand (T>A on the coding strand, the complement: POT1 is on the minus strand). VCF-style: chr7-124892314-A-T. GRCh37 (hg19) VCF-style: chr7-124532368-A-T.
Other names: c.-187T>A (NM_001042594.2); short protein forms Y26N.
Identifiers: ClinVar variation 3308973 (VCV003308973.1).

ClinVar aggregate classification (germline): Uncertain significance (1 of 4 stars; one submission).

Conditions:
Hereditary cancer-predisposing syndrome. Also called: Neoplastic Syndromes, Hereditary; Tumor predisposition; Hereditary neoplastic syndrome; Hereditary Cancer Syndrome. Identifiers: Orphanet 140162, MedGen C0027672, MeSH D009386, MONDO:0015356.

Submission:

Ambry Genetics
Classification: Uncertain significance for Hereditary cancer-predisposing syndrome. Last evaluated: 2024-05-22. Review status: criteria provided, single submitter. Criteria: Ambry Variant Classification Scheme 2023. Collection method: clinical testing. Allele origin: germline.
Comment: The p.Y26N variant (also known as c.76T>A), located in coding exon 2 of the POT1 gene, results from a T to A substitution at nucleotide position 76. The tyrosine at codon 26 is replaced by asparagine, an amino acid with dissimilar properties. This amino acid position is conserved. In addition, this alteration is predicted to be deleterious by in silico analysis. Based on the available evidence, the clinical significance of this variant remains unclear.